The following is an entry in ClinVar:

NM_005883.3(APC2):c.1183C>A (p.Pro395Thr)

Gene: APC2 (APC regulator of Wnt signaling pathway 2; plus strand). Cytogenetic location: 19p13.3.
Variant type: single nucleotide variant.
Coding change: c.1183C>A on transcript NM_005883.3 (MANE Select); coding-DNA position 1183, C replaced by A.
Protein change: p.Pro395Thr; replaces proline 395 with threonine.
Molecular consequence: missense variant.
Genome position (GRCh38, 1-based): chr19:1,457,219, C>A. VCF-style: chr19-1457219-C-A. GRCh37 (hg19) VCF-style: chr19-1457218-C-A.
Other names: c.1180C>A, p.Pro394Thr (NM_001351273.1); short protein forms P394T, P395T.
Identifiers: ClinVar variation 3340773 (VCV003340773.2).

ClinVar aggregate classification (germline): Uncertain significance. Review status: criteria provided, multiple submitters, no conflicts (2 of 4 stars). 2 submissions from 2 submitters: Uncertain significance (2). Last evaluated 2025-06-18.

Conditions:
Inborn genetic diseases. Identifiers: MedGen C0950123, MeSH D030342.

gnomAD v4.1: 11 of 1,541,766 alleles (0.00071%); highest among the groups gnomAD compares: African/African-American, 0.015%; no homozygotes.

Submissions (2):

Ambry Genetics
Classification: Uncertain significance for Inborn genetic diseases. Last evaluated: 2025-06-18. Review status: criteria provided, single submitter. Criteria: Ambry Variant Classification Scheme 2023. Collection method: clinical testing. Allele origin: germline.

GeneDx
Classification: Uncertain significance. Last evaluated: 2023-06-21. Review status: criteria provided, single submitter. Criteria: GeneDx Variant Classification Process June 2021. Collection method: clinical testing. Allele origin: germline. Affected: yes.
Comment: In silico analysis supports that this missense variant does not alter protein structure/function; Has not been previously published as pathogenic or benign to our knowledge